The following is an entry in ClinVar:

ClinVar aggregate classification (germline): Uncertain significance (1 of 4 stars; one submission).

Conditions:
GLUT1 deficiency syndrome 1, autosomal recessive. Identifiers: MedGen C3149117.

Allele frequency attached by ClinVar (database versions not stated): TOPMed below 0.00001; gnomAD 0.00001.
gnomAD v4.1: 1 of 1,613,382 alleles (0.000062%); highest among the groups gnomAD compares: African/African-American, 0.0013%; no homozygotes.

Submission:

Labcorp Genetics (formerly Invitae), Labcorp
Classification: Uncertain significance for GLUT1 deficiency syndrome 1, autosomal recessive. Last evaluated: 2024-01-07. Review status: criteria provided, single submitter. Criteria: Invitae Variant Classification Sherloc (09022015). Collection method: clinical testing. Allele origin: germline.
Comment: This sequence change replaces tyrosine, which is neutral and polar, with cysteine, which is neutral and slightly polar, at codon 366 of the SLC2A1 protein (p.Tyr366Cys). This variant is not present in population databases (gnomAD no frequency). This variant has not been reported in the literature in individuals affected with SLC2A1-related conditions. ClinVar contains an entry for this variant (Variation ID: 642063). Advanced modeling of protein sequence and biophysical properties (such as structural, functional, and spatial information, amino acid conservation, physicochemical variation, residue mobility, and thermodynamic stability) performed at Invitae indicates that this missense variant is expected to disrupt SLC2A1 protein function with a positive predictive value of 95%. In summary, the available evidence is currently insufficient to determine the role of this variant in disease. Therefore, it has been classified as a Variant of Uncertain Significance.

NM_006516.4(SLC2A1):c.1097A>G (p.Tyr366Cys)

Gene: SLC2A1 (solute carrier family 2 member 1; minus strand). Cytogenetic location: 1p34.2.
Variant type: single nucleotide variant.
Coding change: c.1097A>G on transcript NM_006516.4 (MANE Select); coding-DNA position 1097, A replaced by G.
Protein change: p.Tyr366Cys; replaces tyrosine 366 with cysteine.
Molecular consequence: missense variant.
Genome position (GRCh38, 1-based): chr1:42,927,786, T>C on the plus strand (A>G on the coding strand, the complement: SLC2A1 is on the minus strand). VCF-style: chr1-42927786-T-C. GRCh37 (hg19) VCF-style: chr1-43393457-T-C.
Other names: short protein forms Y366C.
Identifiers: ClinVar variation 642063 (VCV000642063.9), dbSNP rs976075779, ClinGen allele CA21249258.